The following is an entry in ClinVar:

ClinVar aggregate classification (germline): Likely benign. Review status: criteria provided, multiple submitters, no conflicts (2 of 4 stars). 2 submissions from 2 submitters: Likely benign (2). Last evaluated 2025-11-16.

Allele frequency attached by ClinVar (database versions not stated): ExAC 0.00003; gnomAD 0.00003 and 0.00004; TOPMed 0.00003.
gnomAD v4.1: 38 of 1,613,656 alleles (0.0024%); highest among the groups gnomAD compares: Admixed American, 0.005%; no homozygotes.

Submissions (2):

Labcorp Genetics (formerly Invitae), Labcorp
Classification: Likely benign. Last evaluated: 2025-11-16. Review status: criteria provided, single submitter. Criteria: Invitae Variant Classification Sherloc (09022015). Collection method: clinical testing. Allele origin: germline.

CeGaT Center for Human Genetics Tuebingen
Classification: Likely benign. Last evaluated: 2025-09-01. Review status: criteria provided, single submitter. Criteria: CeGaT Center For Human Genetics Tuebingen Variant Classification Criteria Version 2. Collection method: clinical testing. Allele origin: germline. Affected: yes. Observed: 1 variant allele.
Comment: AEBP1: BP4, BP7

NM_001129.5(AEBP1):c.1314T>C (p.Asp438=)

Gene: AEBP1 (AE binding protein 1; plus strand). Cytogenetic location: 7p13.
Variant type: single nucleotide variant.
Coding change: c.1314T>C on transcript NM_001129.5 (MANE Select); coding-DNA position 1314, T replaced by C.
Protein change: p.Asp438=; no amino-acid change (aspartic acid 438 retained).
Molecular consequence: synonymous variant.
Genome position (GRCh38, 1-based): chr7:44,110,260, T>C. VCF-style: chr7-44110260-T-C. GRCh37 (hg19) VCF-style: chr7-44149859-T-C.
Identifiers: ClinVar variation 1608888 (VCV001608888.15), dbSNP rs770224339, ClinGen allele CA4237856.